The following is an entry in ClinVar:

ClinVar aggregate classification (germline): Conflicting classifications of pathogenicity. Review status: criteria provided, conflicting classifications (1 of 4 stars). 8 submissions from 8 submitters: Uncertain significance (5); Likely benign (2). 1 of the submissions does not count toward it. Last evaluated 2026-01-25.

Conditions:
Hereditary cancer-predisposing syndrome. Also called: Neoplastic Syndromes, Hereditary; Tumor predisposition; Hereditary Cancer Syndrome; Hereditary neoplastic syndrome. Identifiers: Orphanet 140162, MedGen C0027672, MeSH D009386, MONDO:0015356.
Familial cancer of breast. Also called: BREAST CANCER, FAMILIAL; hereditary breast carcinoma; Hereditary breast cancer. Identifiers: Orphanet 227535, MedGen C0346153, MONDO:0016419, OMIM 114480. Disease mechanism: loss of function.
Malignant tumor of breast. Also called: Malignant breast neoplasm; Cancer breast. Identifiers: MedGen C0006142, MONDO:0007254. Disease mechanism: loss of function.

Allele frequency attached by ClinVar (database versions not stated): gnomAD exomes 0.00001; ExAC 0.00002; gnomAD 0.00003; TOPMed 0.00003.

Submissions (8):

Labcorp Genetics (formerly Invitae), Labcorp
Classification: Uncertain significance for Familial cancer of breast. Last evaluated: 2026-01-25. Review status: criteria provided, single submitter. Criteria: Invitae Variant Classification Sherloc (09022015). Collection method: clinical testing. Allele origin: germline.
Comment: This sequence change replaces threonine, which is neutral and polar, with methionine, which is neutral and non-polar, at codon 351 of the BARD1 protein (p.Thr351Met). This variant is present in population databases (rs767208122, gnomAD 0.008%). This variant has not been reported in the literature in individuals affected with BARD1-related conditions. ClinVar contains an entry for this variant (Variation ID: 232599). An algorithm developed to predict the effect of missense changes on protein structure and function outputs the following: PolyPhen-2: "Benign". The methionine amino acid residue is found in multiple mammalian species, which suggests that this missense change does not adversely affect protein function. Experimental studies have shown that this missense change does not substantially affect BARD1 function (PMID: 30925164). In summary, the available evidence is currently insufficient to determine the role of this variant in disease. Therefore, it has been classified as a Variant of Uncertain Significance.

Color Diagnostics, LLC DBA Color Health
Classification: Uncertain significance for Hereditary cancer-predisposing syndrome. Last evaluated: 2025-08-11. Review status: criteria provided, single submitter. Criteria: ACMG Guidelines, 2015. Collection method: clinical testing. Allele origin: germline.
Comment: This missense variant replaces threonine with methionine at codon 351 of the BARD1 protein. Computational prediction suggests that this variant may not impact protein structure and function. A functional study has shown that in a homology directed repair assay, this variant shows ~80% of the wild-type BARD1 protein activity (PMID: 30925164). In a large breast cancer case-control meta-analysis, this variant was identified in 1/60465 cases and 2/53459 controls (OR=0.442, 95%CI 0.04 to 4.876p-value=0.603PMID: 33471991). This variant has been identified in 3/282618 chromosomes in the general population by the Genome Aggregation Database (gnomAD). The available evidence is insufficient to determine the role of this variant in disease conclusively. Therefore, this variant is classified as a Variant of Uncertain Significance.

GeneDx
Classification: Uncertain significance. Last evaluated: 2025-01-31. Review status: criteria provided, single submitter. Criteria: GeneDx Variant Classification Process June 2021. Collection method: clinical testing. Allele origin: germline. Affected: yes.
Comment: Published functional studies demonstrate this variant to have approximately 80% of wild type homology-directed repair activity, which was not reported as defective (PMID: 30925164); In silico analysis indicates that this missense variant does not alter protein structure/function; Not observed at significant frequency in large population cohorts (gnomAD); This variant is associated with the following publications: (PMID: 30925164)

Myriad Genetics, Inc.
Classification: Likely benign for Familial cancer of breast. Last evaluated: 2024-07-24. Review status: criteria provided, single submitter. Criteria: Myriad Autosomal Dominant, Autosomal Recessive and X-Linked Classification Criteria (2023). Collection method: clinical testing. Allele origin: unknown.
Comment: This variant is considered likely benign. This variant is strongly associated with less severe personal and family histories of cancer, typical for individuals without pathogenic variants in this gene [PMID: 25085752].

Quest Diagnostics Nichols Institute San Juan Capistrano
Classification: Uncertain significance. Last evaluated: 2024-02-23. Review status: criteria provided, single submitter. Criteria: Quest Diagnostics criteria. Collection method: clinical testing. Allele origin: unknown.
Comment: The BARD1 c.1052C>T (p.Thr351Met) variant has been reported in the published literature in an individual with breast cancer as well as reportedly healthy controls (PMID: 33471991 (2021), see also LOVD). The frequency of this variant in the general population, 0.000011 (3/282618 chromosomes (Genome Aggregation Database)), is uninformative in the assessment of its pathogenicity. Analysis of this variant using bioinformatics tools for the prediction of the effect of amino acid changes on protein structure and function yielded predictions that this variant is benign. Based on the available information, we are unable to determine the clinical significance of this variant.

KCCC/NGS Laboratory, Kuwait Cancer Control Center
Classification: Uncertain significance for Familial cancer of breast. Last evaluated: 2023-07-05. Review status: criteria provided, single submitter. Criteria: ACMG Guidelines, 2015. Collection method: clinical testing. Allele origin: unknown. Inheritance: Autosomal dominant inheritance. Affected: yes. Observed: 1 heterozygote.
Comment: This sequence change replaces threonine, which is neutral and polar, with methionine, which is neutral and non-polar, at codon 351 of the BARD1 protein (p.Thr351Met). This variant is present in population databases (rs767208122, gnomAD 0.008%). This variant has not been reported in the literature in individuals affected with BARD1-related conditions. ClinVar contains an entry for this variant (Variation ID: 232599). In silico analysis supports that this missense variant does not alter protein structure/function. The methionine amino acid residue is found in multiple mammalian species, which suggests that this missense change does not adversely affect protein function. Experimental studies have shown that this missense change does not substantially affect BARD1 function (PMID: 30925164). In summary, the available evidence is currently insufficient to determine the role of this variant in disease. Therefore, it has been classified as a Variant of Uncertain Significance.

Ambry Genetics
Classification: Likely benign for Hereditary cancer-predisposing syndrome. Last evaluated: 2021-08-06. Review status: criteria provided, single submitter. Criteria: Ambry Variant Classification Scheme 2023. Collection method: clinical testing. Allele origin: germline.

Department of Pathology and Laboratory Medicine, Sinai Health System
Classification: Uncertain significance for Malignant tumor of breast. Review status: no assertion criteria provided. Collection method: clinical testing. Allele origin: unknown. Affected: yes. Observed: 1 variant allele. Study: The Canadian Open Genetics Repository (COGR). Not counted in ClinVar's aggregate classification.
Comment: The BARD1 p.Thr351Met variant was not identified in the literature nor was it identified in the COSMIC, MutDB, or the Zhejiang University database. The variant was identified in dbSNP (ID: rs767208122) as â€šÃ„ÃºWith Uncertain significance alleleâ€šÃ„Ã¹, and in the ClinVar and Clinvitae databases (classified as uncertain significance by Ambry Genetics, Invitae, GeneDx and Color Genomics). The variant was identified in control databases in 3 of 276932 chromosomes at a frequency of 0.00001 (Genome Aggregation Database Feb 27, 2017). It was observed in the following populations: African in 2 of 24034 chromosomes (freq: 0.00008), European Non-Finnish in 1 of 126492 chromosomes (freq: 0.000008), but not in the â€šÃ„ÃºOtherâ€šÃ„Ã¹, Latino, Ashkenazi Jewish, East Asian, Finnish, and South Asian populations. The p.Thr351 residue is not conserved in mammals and computational analyses (PolyPhen-2, SIFT, AlignGVGD, BLOSUM, MutationTaster) provide inconsistent predictions regarding the impact to the protein; this information is not very predictive of pathogenicity. The variant occurs outside of the splicing consensus sequence and 2 of 5 in silico or computational prediction software programs (SpliceSiteFinder, MaxEntScan, NNSPLICE, GeneSplicer, HumanSpliceFinder) predict a greater than 10% difference in splicing; this is not very predictive of pathogenicity. In summary, based on the above information the clinical significance of this variant cannot be determined with certainty at this time. This variant is classified as a variant of uncertain significance.

Literature cited by the submitters: PubMed 30925164 (cited by 3 submitters); PubMed 25085752 (cited by Myriad Genetics, Inc.); PubMed 33471991 (cited by Quest Diagnostics Nichols Institute San Juan Capistrano).

NM_000465.4(BARD1):c.1052C>T (p.Thr351Met)

Gene: BARD1 (BRCA1 associated RING domain 1; minus strand). Cytogenetic location: 2q35.
Variant type: single nucleotide variant.
Coding change: c.1052C>T on transcript NM_000465.4 (MANE Select); coding-DNA position 1052, C replaced by T.
Protein change: p.Thr351Met; replaces threonine 351 with methionine.
Molecular consequence: missense variant. On other transcripts: non-coding transcript variant (2), intron variant (3).
Genome position (GRCh38, 1-based): chr2:214,780,822, G>A on the plus strand (C>T on the coding strand, the complement: BARD1 is on the minus strand). VCF-style: chr2-214780822-G-A. GRCh37 (hg19) VCF-style: chr2-215645546-G-A.
Other names: c.159-28267C>T (NM_001282548.2); c.215+16239C>T (NM_001282545.2); c.364+11475C>T (NM_001282549.2); c.995C>T, p.Thr332Met (NM_001282543.2); short protein forms T351M, T332M.
Identifiers: ClinVar variation 232599 (VCV000232599.31), dbSNP rs767208122, ClinGen allele CA2090345.